The following is an entry in ClinVar:

ClinVar aggregate classification (germline): Uncertain significance (1 of 4 stars; one submission).

Allele frequency attached by ClinVar (database versions not stated): gnomAD 0.00001; ExAC 0.00002.
gnomAD v4.1: 28 of 1,613,806 alleles (0.0017%); highest among the groups gnomAD compares: Admixed American, 0.0033%; no homozygotes.

Submission:

Labcorp Genetics (formerly Invitae), Labcorp
Classification: Uncertain significance. Last evaluated: 2022-11-01. Review status: criteria provided, single submitter. Criteria: Invitae Variant Classification Sherloc (09022015). Collection method: clinical testing. Allele origin: germline.
Comment: In summary, the available evidence is currently insufficient to determine the role of this variant in disease. Therefore, it has been classified as a Variant of Uncertain Significance. Algorithms developed to predict the effect of missense changes on protein structure and function output the following: SIFT: "Tolerated"; PolyPhen-2: "Benign"; Align-GVGD: "Class C0". The threonine amino acid residue is found in multiple mammalian species, which suggests that this missense change does not adversely affect protein function. ClinVar contains an entry for this variant (Variation ID: 1354380). This variant has not been reported in the literature in individuals affected with FCHO1-related conditions. This variant is present in population databases (rs760979158, gnomAD 0.004%). This sequence change replaces alanine, which is neutral and non-polar, with threonine, which is neutral and polar, at codon 405 of the FCHO1 protein (p.Ala405Thr).

NM_015122.3(FCHO1):c.1213G>A (p.Ala405Thr)

Genes: FCHO1 (FCH and mu domain containing endocytic adaptor 1; plus strand), LOC130063960 (ATAC-STARR-seq lymphoblastoid active region 14285; plus strand). Cytogenetic location: 19p13.11.
Variant type: single nucleotide variant.
Coding change: c.1213G>A on transcript NM_015122.3 (MANE Select); coding-DNA position 1213, G replaced by A.
Protein change: p.Ala405Thr; replaces alanine 405 with threonine.
Molecular consequence: missense variant. On other transcripts: non-coding transcript variant (36), intron variant (1).
Genome position (GRCh38, 1-based): chr19:17,776,640, G>A. VCF-style: chr19-17776640-G-A. GRCh37 (hg19) VCF-style: chr19-17887449-G-A.
Other names: c.1213G>A, p.Ala405Thr (NM_001161357.2, NM_001161358.2, NM_001384370.1 and 25 more transcripts); c.1063G>A, p.Ala355Thr (NM_001161359.2, NM_001384384.1, NM_001384385.1 and 2 more transcripts); c.1174G>A, p.Ala392Thr (NM_001384388.1, NM_001384389.1, NM_001384405.1); c.1138G>A, p.Ala380Thr (NM_001384390.1); c.1168G>A, p.Ala390Thr (NM_001384403.1); c.1057+369G>A (NM_001384407.1); short protein forms A392T, A405T, A355T, A380T, A390T.
Identifiers: ClinVar variation 1354380 (VCV001354380.6), dbSNP rs760979158, ClinGen allele CA9300446.
Genomic context (GRCh38, chr19:17,776,640, plus strand): 5'-GGGGAGCATTGCAGGCAGGGTGACAAGAAGGCTGAAGGAGGTGCATCTCTTGTAGGGGAC[G>A]CTGCTGGGAAACCCCAGAGACCTCGGTCTGCCCCCAGAACCAGCAGGTGGGTTCCACACG-3'
Protein context (NP_055937.1, residues 395-415): GTMKRHSSRD[Ala405Thr]AGKPQRPRSA